The following is an entry in ClinVar:

ClinVar aggregate classification (germline): Uncertain significance. Review status: criteria provided, multiple submitters, no conflicts (2 of 4 stars). 2 submissions from 2 submitters: Uncertain significance (2). Last evaluated 2026-04-02.

gnomAD v4.1: 72 of 1,548,888 alleles (0.0046%); highest among the groups gnomAD compares: Middle Eastern, 0.042%; no homozygotes.

Submissions (2):

GeneDx
Classification: Uncertain significance. Last evaluated: 2026-04-02. Review status: criteria provided, single submitter. Criteria: GeneDx Variant Classification Process June 2021. Collection method: clinical testing. Allele origin: germline.
Comment: In silico analysis supports that this missense variant has a deleterious effect on protein structure/function; Has not been previously published as pathogenic or benign to our knowledge

Labcorp Genetics (formerly Invitae), Labcorp
Classification: Uncertain significance. Last evaluated: 2021-08-30. Review status: criteria provided, single submitter. Criteria: Invitae Variant Classification Sherloc (09022015). Collection method: clinical testing. Allele origin: germline.
Comment: This sequence change replaces arginine with leucine at codon 1075 of the OTOG protein (p.Arg1075Leu). The arginine residue is moderately conserved and there is a moderate physicochemical difference between arginine and leucine. While this variant is present in population databases (rs11024333), the frequency information is unreliable, as metrics indicate poor data quality at this position in the ExAC database. This variant has not been reported in the literature in individuals affected with OTOG-related conditions. Algorithms developed to predict the effect of missense changes on protein structure and function are either unavailable or do not agree on the potential impact of this missense change (SIFT: "Deleterious"; PolyPhen-2: "Benign"; Align-GVGD: "Class C0"). In summary, the available evidence is currently insufficient to determine the role of this variant in disease. Therefore, it has been classified as a Variant of Uncertain Significance.

NM_001292063.2(OTOG):c.3188G>T (p.Arg1063Leu)

Gene: OTOG (otogelin; plus strand). Cytogenetic location: 11p15.1.
Variant type: single nucleotide variant.
Coding change: c.3188G>T on transcript NM_001292063.2 (MANE Select); coding-DNA position 3188, G replaced by T.
Protein change: p.Arg1063Leu; replaces arginine 1063 with leucine.
Molecular consequence: missense variant.
Genome position (GRCh38, 1-based): chr11:17,593,656, G>T. VCF-style: chr11-17593656-G-T. GRCh37 (hg19) VCF-style: chr11-17615203-G-T.
Other names: c.3224G>T, p.Arg1075Leu (NM_001277269.2); c.3224G>T (NM_001277269.1); short protein forms R1063L, R1075L.
Identifiers: ClinVar variation 1401983 (VCV001401983.6), dbSNP rs11024333, ClinGen allele CA5905709.